The following is an entry in ClinVar:

ClinVar aggregate classification (germline): Uncertain significance (1 of 4 stars; one submission).

Conditions:
Primary dilated cardiomyopathy (DCM). Also called: Dilated Cardiomyopathy. Identifiers: Orphanet 217604, MedGen C0007193, MeSH D002311, MONDO:0005021, HP:0001644. Inheritance: Various modes of inheritance.

Allele frequency attached by ClinVar (database versions not stated): gnomAD exomes below 0.00001.
gnomAD v4.1: 1 of 1,609,956 alleles (0.000062%); highest among the groups gnomAD compares: Non-Finnish European, 0.000085%; no homozygotes.

Submission:

Labcorp Genetics (formerly Invitae), Labcorp
Classification: Uncertain significance for Primary dilated cardiomyopathy. Last evaluated: 2024-02-24. Review status: criteria provided, single submitter. Criteria: Invitae Variant Classification Sherloc (09022015). Collection method: clinical testing. Allele origin: germline.
Comment: This sequence change replaces serine, which is neutral and polar, with cysteine, which is neutral and slightly polar, at codon 441 of the NEBL protein (p.Ser441Cys). This variant is not present in population databases (gnomAD no frequency). This variant has not been reported in the literature in individuals affected with NEBL-related conditions. ClinVar contains an entry for this variant (Variation ID: 1381873). An algorithm developed to predict the effect of missense changes on protein structure and function (PolyPhen-2) suggests that this variant is likely to be disruptive. In summary, the available evidence is currently insufficient to determine the role of this variant in disease. Therefore, it has been classified as a Variant of Uncertain Significance.

NM_006393.3(NEBL):c.1322C>G (p.Ser441Cys)

Gene: NEBL (nebulette; minus strand). Cytogenetic location: 10p12.31.
Variant type: single nucleotide variant.
Coding change: c.1322C>G on transcript NM_006393.3 (MANE Select); coding-DNA position 1322, C replaced by G.
Protein change: p.Ser441Cys; replaces serine 441 with cysteine.
Molecular consequence: missense variant. On other transcripts: intron variant (9).
Genome position (GRCh38, 1-based): chr10:20,840,755, G>C on the plus strand (C>G on the coding strand, the complement: NEBL is on the minus strand). VCF-style: chr10-20840755-G-C. GRCh37 (hg19) VCF-style: chr10-21129684-G-C.
Other names: c.250-27815C>G (NM_001377326.1, NM_001377327.1, NM_001377328.1); c.358-27815C>G (NM_213569.2, NM_001173484.2, NM_001377322.1); c.301-27815C>G (NM_001377324.1); c.292-27815C>G (NM_001377325.1); c.310-27815C>G (NM_001377323.1); short protein forms S441C.
Identifiers: ClinVar variation 1381873 (VCV001381873.6), dbSNP rs1841337096, ClinGen allele CA376099070.